The following is an entry in ClinVar:

ClinVar aggregate classification (germline): Uncertain significance (1 of 4 stars; one submission).

Allele frequency attached by ClinVar (database versions not stated): gnomAD 0.00001.

Submission:

Labcorp Genetics (formerly Invitae), Labcorp
Classification: Uncertain significance. Last evaluated: 2021-11-30. Review status: criteria provided, single submitter. Criteria: Invitae Variant Classification Sherloc (09022015). Collection method: clinical testing. Allele origin: germline.
Comment: This sequence change replaces valine, which is neutral and non-polar, with phenylalanine, which is neutral and non-polar, at codon 13 of the PHYH protein (p.Val13Phe). This variant is present in population databases (no rsID available, gnomAD 0.01%). This variant has not been reported in the literature in individuals affected with PHYH-related conditions. Algorithms developed to predict the effect of missense changes on protein structure and function (SIFT, PolyPhen-2, Align-GVGD) all suggest that this variant is likely to be tolerated. In summary, the available evidence is currently insufficient to determine the role of this variant in disease. Therefore, it has been classified as a Variant of Uncertain Significance.

NM_006214.4(PHYH):c.37G>T (p.Val13Phe)

Genes: PHYH (phytanoyl-CoA 2-hydroxylase; minus strand), LOC130003374 (ATAC-STARR-seq lymphoblastoid silent region 2152; plus strand). Cytogenetic location: 10p13.
Variant type: single nucleotide variant.
Coding change: c.37G>T on transcript NM_006214.4 (MANE Select); coding-DNA position 37, G replaced by T.
Protein change: p.Val13Phe; replaces valine 13 with phenylalanine.
Molecular consequence: missense variant.
Genome position (GRCh38, 1-based): chr10:13,300,006, C>A on the plus strand (G>T on the coding strand, the complement: PHYH is on the minus strand). VCF-style: chr10-13300006-C-A. GRCh37 (hg19) VCF-style: chr10-13342006-C-A.
Other names: c.37G>T, p.Val13Phe (NM_001323082.2, NM_001323083.2); short protein forms V13F.
Identifiers: ClinVar variation 1898134 (VCV001898134.2), dbSNP rs1361950127, ClinGen allele CA376038397.